The following is an entry in ClinVar:

NM_004260.4(RECQL4):c.2303T>C (p.Val768Ala)

Gene: RECQL4 (RecQ like helicase 4; minus strand). Cytogenetic location: 8q24.3.
Variant type: single nucleotide variant.
Coding change: c.2303T>C on transcript NM_004260.4 (MANE Select); coding-DNA position 2303, T replaced by C.
Protein change: p.Val768Ala; replaces valine 768 with alanine.
Molecular consequence: missense variant.
Genome position (GRCh38, 1-based): chr8:144,513,378, A>G on the plus strand (T>C on the coding strand, the complement: RECQL4 is on the minus strand). VCF-style: chr8-144513378-A-G. GRCh37 (hg19) VCF-style: chr8-145738761-A-G.
Other names: short protein forms V768A.
Identifiers: ClinVar variation 578194 (VCV000578194.8), dbSNP rs370863264, ClinGen allele CA4948341.

ClinVar aggregate classification (germline): Uncertain significance. Review status: criteria provided, multiple submitters, no conflicts (2 of 4 stars). 3 submissions from 3 submitters: Uncertain significance (3). Last evaluated 2024-04-15.

Conditions:
Baller-Gerold syndrome (BGS). Also called: CRANIOSYNOSTOSIS WITH RADIAL DEFECTS. Identifiers: Orphanet 1225, MedGen C0265308, MONDO:0009039, OMIM 218600.
Rapadilino syndrome. Identifiers: Orphanet 3021, MedGen C1849453, MONDO:0009955, OMIM 266280.
Rothmund-Thomson syndrome type 2 (RTS2). Identifiers: Orphanet 221016, MedGen C5203410, MONDO:0016369, OMIM 268400.
Hereditary cancer-predisposing syndrome. Also called: Hereditary neoplastic syndrome; Tumor predisposition; Hereditary Cancer Syndrome; Neoplastic Syndromes, Hereditary. Identifiers: Orphanet 140162, MedGen C0027672, MeSH D009386, MONDO:0015356.

Allele frequency attached by ClinVar (database versions not stated): gnomAD 0.00002 and 0.00003; ESP Exome Variant Server 0.00008; 1000 Genomes Project 0.00020; 1000 Genomes Project 30x 0.00031; gnomAD exomes 0.00321; ExAC 0.10000.
gnomAD v4.1: 10 of 1,607,018 alleles (0.00062%); highest among the groups gnomAD compares: African/African-American, 0.008%; no homozygotes.

Submissions (3):

Labcorp Genetics (formerly Invitae), Labcorp
Classification: Uncertain significance for Baller-Gerold syndrome. Last evaluated: 2024-04-15. Review status: criteria provided, single submitter. Criteria: Invitae Variant Classification Sherloc (09022015). Collection method: clinical testing. Allele origin: germline.
Comment: This sequence change replaces valine, which is neutral and non-polar, with alanine, which is neutral and non-polar, at codon 768 of the RECQL4 protein (p.Val768Ala). The frequency data for this variant in the population databases is considered unreliable, as metrics indicate poor data quality at this position in the gnomAD database. This variant has not been reported in the literature in individuals affected with RECQL4-related conditions. ClinVar contains an entry for this variant (Variation ID: 578194). Advanced modeling of protein sequence and biophysical properties (such as structural, functional, and spatial information, amino acid conservation, physicochemical variation, residue mobility, and thermodynamic stability) performed at Invitae indicates that this missense variant is expected to disrupt RECQL4 protein function with a positive predictive value of 80%. In summary, the available evidence is currently insufficient to determine the role of this variant in disease. Therefore, it has been classified as a Variant of Uncertain Significance.

Sema4
Classification: Uncertain significance for Hereditary cancer-predisposing syndrome. Last evaluated: 2021-08-19. Review status: criteria provided, single submitter. Criteria: Sema4 Curation Guidelines. Collection method: curation. Allele origin: germline.
Comment: The RECQL4 c.2303T>C (p.V768A) variant has not been reported in the literature to our knowledge. This variant was observed in 2/624 chromosomes in the global population according to the Genome Aggregation Database (PMID: 32461654). Because of the low number of chromosomes available at this genomic location, this frequency may not be reliable. This variant has been reported in ClinVar (Variation ID 578194). In silico tools suggest the impact of the variant on protein function is deleterious, though these predictions have not been confirmed by functional studies. The overall evidence is insufficient to meet ACMG/AMP criteria for classifying it as benign or pathogenic. In summary, the clinical significance of this variant is currently uncertain.

Fulgent Genetics
Classification: Uncertain significance for Baller-Gerold syndrome; Rapadilino syndrome; Rothmund-Thomson syndrome type 2. Last evaluated: 2021-07-24. Review status: criteria provided, single submitter. Criteria: ACMG Guidelines, 2015. Collection method: clinical testing. Allele origin: unknown.